The following is an entry in ClinVar:

NM_000153.4(GALC):c.628A>T (p.Arg210Ter)

Gene: GALC (galactosylceramidase; minus strand). Cytogenetic location: 14q31.3.
Variant type: single nucleotide variant.
Coding change: c.628A>T on transcript NM_000153.4 (MANE Select); coding-DNA position 628, A replaced by T.
Protein change: p.Arg210Ter; replaces arginine 210 with a stop codon.
Molecular consequence: nonsense.
Genome position (GRCh38, 1-based): chr14:87,976,482, T>A on the plus strand (A>T on the coding strand, the complement: GALC is on the minus strand). VCF-style: chr14-87976482-T-A. GRCh37 (hg19) VCF-style: chr14-88442826-T-A.
Other names: p.Arg210*; c.559A>T, p.Arg187Ter (NM_001201401.2); c.550A>T, p.Arg184Ter (NM_001201402.2); short protein forms R210*, R187*, R184*.
Identifiers: ClinVar variation 369724 (VCV000369724.47), dbSNP rs202131052, ClinGen allele CA7297285.

ClinVar aggregate classification (germline): Pathogenic. Review status: criteria provided, multiple submitters, no conflicts (2 of 4 stars). 11 submissions from 11 submitters: Pathogenic (10). 1 of the submissions does not count toward it. Last evaluated 2025-05-15.

Conditions:
Inborn genetic diseases. Identifiers: MedGen C0950123, MeSH D030342.
Galactosylceramide beta-galactosidase deficiency. Also called: Krabbe Disease; Leukodystrophy, Globoid Cell; GALACTOCEREBROSIDASE DEFICIENCY; GALC DEFICIENCY; GLOBOID CELL LEUKOENCEPHALOPATHY. Identifiers: Orphanet 487, MedGen C0023521, MONDO:0009499, OMIM 245200.

Allele frequency attached by ClinVar (database versions not stated): ExAC 0.00002; gnomAD 0.00002; gnomAD exomes 0.00002 and 0.00006; TOPMed 0.00003; ESP Exome Variant Server 0.00008.
gnomAD v4.1: 91 of 1,611,996 alleles (0.0056%); highest among the groups gnomAD compares: Non-Finnish European, 0.0074%; no homozygotes.

Submissions (11):

Natera, Inc.
Classification: Pathogenic for Galactosylceramide beta-galactosidase deficiency. Last evaluated: 2025-05-15. Review status: criteria provided, single submitter. Criteria: Natera Variant Classification Schema (03/2026). Collection method: clinical testing. Allele origin: germline.
Comment: The c.628A>T variant in GALC is a nonsense variant predicted to introduce a stop codon at amino acid 210. This variant is expected to result in nonsense mediated decay, truncation, or a dysfunctional protein product. This variant is rare in the general population with a frequency below the threshold expected for the associated phenotype(s). This variant has been observed in one or more individuals affected with the associated recessive disease, as either homozygous or compound heterozygous with a second variant (PMID: 30777126, 22520351). Given the available evidence, this variant is classified as Pathogenic.

Revvity Omics, Revvity
Classification: Pathogenic. Last evaluated: 2024-04-17. Review status: criteria provided, single submitter. Criteria: ACMG Guidelines, 2015. Collection method: clinical testing. Allele origin: germline.

Labcorp Genetics (formerly Invitae), Labcorp
Classification: Pathogenic for Galactosylceramide beta-galactosidase deficiency. Last evaluated: 2024-02-02. Review status: criteria provided, single submitter. Criteria: Invitae Variant Classification Sherloc (09022015). Collection method: clinical testing. Allele origin: germline.
Comment: This sequence change creates a premature translational stop signal (p.Arg210*) in the GALC gene. It is expected to result in an absent or disrupted protein product. Loss-of-function variants in GALC are known to be pathogenic (PMID: 7437911, 9272171, 16607461). This variant is present in population databases (rs202131052, gnomAD 0.004%). This premature translational stop signal has been observed in individual(s) with low galactocerebrosidase activity (PMID: 22520351; Invitae). This variant is also known as c.580A>T, p.Arg194*. ClinVar contains an entry for this variant (Variation ID: 369724). For these reasons, this variant has been classified as Pathogenic.

CeGaT Center for Human Genetics Tuebingen
Classification: Pathogenic. Last evaluated: 2024-02-01. Review status: criteria provided, single submitter. Criteria: CeGaT Center For Human Genetics Tuebingen Variant Classification Criteria Version 2. Collection method: clinical testing. Allele origin: germline. Affected: yes. Observed: 1 variant allele.
Comment: GALC: PVS1, PM2, PP4

Mayo Clinic Laboratories, Mayo Clinic
Classification: Pathogenic. Last evaluated: 2023-11-30. Review status: criteria provided, single submitter. Criteria: ACMG Guidelines, 2015. Collection method: clinical testing. Allele origin: germline. Observed: 1 variant allele.
Comment: PP4, PM2_moderate, PM3_supporting, PVS1

Ambry Genetics
Classification: Pathogenic for Inborn genetic diseases. Last evaluated: 2022-01-27. Review status: criteria provided, single submitter. Criteria: Ambry Variant Classification Scheme 2023. Collection method: clinical testing. Allele origin: germline.
Comment: The c.628A>T (p.R210*) alteration, located in exon 7 (coding exon 7) of the GALC gene, consists of an A to T substitution at nucleotide position 628. This changes the amino acid from an arginine (R) to a stop codon at amino acid position 210. This alteration is expected to result in loss of function by premature protein truncation or nonsense-mediated mRNA decay. This mutation, designated as p.R194*, was identified in one individual with late onset Krabbe disease in conjunction with another GALC variant (Duffner, 2012). Based on the available evidence, this alteration is classified as pathogenic.

GeneDx
Classification: Pathogenic. Last evaluated: 2021-08-10. Review status: criteria provided, single submitter. Criteria: GeneDx Variant Classification Process June 2021. Collection method: clinical testing. Allele origin: germline. Affected: yes.
Comment: Nonsense variant predicted to result in protein truncation or nonsense mediated decay in a gene for which loss-of-function is a known mechanism of disease; Not observed at a significant frequency in large population cohorts (Lek et al., 2016); This variant is associated with the following publications: (PMID: 30777126, 22520351, 7437911, 9272171, 16607461, 31589614, 31980526)

Center for Pediatric Genomic Medicine, Children's Mercy Hospital and Clinics
Classification: Pathogenic. Last evaluated: 2017-09-06. Review status: criteria provided, single submitter. Criteria: ACMG Guidelines, 2015. Collection method: clinical testing. Allele origin: germline.

Women's Health and Genetics/Laboratory Corporation of America, LabCorp
Classification: Pathogenic for Galactosylceramide beta-galactosidase deficiency. Last evaluated: 2016-12-08. Review status: criteria provided, single submitter. Criteria: LabCorp Variant Classification Summary - May 2015. Collection method: clinical testing. Allele origin: germline.
Comment: Variant summary: The GALC c.628A>T (p.Arg210X) variant results in a premature termination codon, predicted to cause a truncated or absent GALC protein due to nonsense mediated decay, which are commonly known mechanisms for disease. The variant of interest was observed in the large, broad control population, ExAC, with an allele frequency of 2/115338 (1/57669), which does not exceed the estimated maximal expected allele frequency for a pathogenic GALC variant of 1/447. A clinical diagnostic laboratory cites the variant as "pathogenic." Therefore, the variant of interest has been classified as "pathogenic."

Eurofins Ntd Llc (ga)
Classification: Pathogenic. Last evaluated: 2015-12-15. Review status: criteria provided, single submitter. Criteria: EGL Classification Definitions 2015. Collection method: clinical testing. Allele origin: germline. Observed: 6 variant alleles, 6 heterozygotes.

Counsyl
Classification: Likely pathogenic for Galactosylceramide beta-galactosidase deficiency. Last evaluated: 2014-01-10. Review status: no assertion criteria provided. Collection method: clinical testing. Allele origin: unknown. Not counted in ClinVar's aggregate classification.

Literature cited by the submitters: PubMed 30777126 (cited by Natera, Inc. and Mayo Clinic Laboratories, Mayo Clinic); PubMed 22520351 (cited by 6 submitters); PubMed 7437911 (cited by Labcorp Genetics (formerly Invitae), Labcorp); PubMed 9272171 (cited by Labcorp Genetics (formerly Invitae), Labcorp); PubMed 16607461 (cited by Labcorp Genetics (formerly Invitae), Labcorp); PubMed 29691679 (cited by Mayo Clinic Laboratories, Mayo Clinic); PubMed 31589614 (cited by Mayo Clinic Laboratories, Mayo Clinic); PubMed 31980526 (cited by Mayo Clinic Laboratories, Mayo Clinic).